The following is an entry in ClinVar:

ClinVar aggregate classification (germline): Uncertain significance (1 of 4 stars; one submission).

Conditions:
Joubert syndrome. Also called: CEREBELLOPARENCHYMAL DISORDER IV; JOUBERT-BOLTSHAUSER SYNDROME; Familial aplasia of the vermis. Identifiers: Orphanet 475, MedGen C5979921, MONDO:0018772.
Meckel-Gruber syndrome. Also called: DYSENCEPHALIA SPLANCHNOCYSTICA; GRUBER SYNDROME; Dysencephalia splachnocystica. Identifiers: Orphanet 564, MedGen C0265215, MONDO:0018921.

gnomAD v4.1: 1 of 1,551,146 alleles (0.000064%); highest among the groups gnomAD compares: East Asian, 0.0024%; no homozygotes.

Submission:

Labcorp Genetics (formerly Invitae), Labcorp
Classification: Uncertain significance for Joubert syndrome; Meckel-Gruber syndrome. Last evaluated: 2022-02-27. Review status: criteria provided, single submitter. Criteria: Invitae Variant Classification Sherloc (09022015). Collection method: clinical testing. Allele origin: germline.
Comment: This sequence change replaces glycine, which is neutral and non-polar, with tryptophan, which is neutral and slightly polar, at codon 11 of the MKS1 protein (p.Gly11Trp). This variant is not present in population databases (gnomAD no frequency). This variant has not been reported in the literature in individuals affected with MKS1-related conditions. Advanced modeling of protein sequence and biophysical properties (such as structural, functional, and spatial information, amino acid conservation, physicochemical variation, residue mobility, and thermodynamic stability) performed at Invitae indicates that this missense variant is expected to disrupt MKS1 protein function. In summary, the available evidence is currently insufficient to determine the role of this variant in disease. Therefore, it has been classified as a Variant of Uncertain Significance.

NM_017777.4(MKS1):c.31G>T (p.Gly11Trp)

Genes: MKS1 (MKS transition zone complex subunit 1; minus strand), LOC130061271 (ATAC-STARR-seq lymphoblastoid active region 12461; plus strand). Cytogenetic location: 17q22.
Variant type: single nucleotide variant.
Coding change: c.31G>T on transcript NM_017777.4 (MANE Select); coding-DNA position 31, G replaced by T.
Protein change: p.Gly11Trp; replaces glycine 11 with tryptophan.
Molecular consequence: missense variant. On other transcripts: 5 prime UTR variant (1).
Genome position (GRCh38, 1-based): chr17:58,219,200, C>A on the plus strand (G>T on the coding strand, the complement: MKS1 is on the minus strand). VCF-style: chr17-58219200-C-A. GRCh37 (hg19) VCF-style: chr17-56296561-C-A.
Other names: c.-481G>T (NM_001321268.2); c.31G>T, p.Gly11Trp (NM_001321269.2, NM_001330397.2, NM_001411113.1); short protein forms G11W.
Identifiers: ClinVar variation 1982572 (VCV001982572.1), dbSNP rs762103206, ClinGen allele CA400328198.
Genomic context (GRCh38, chr17:58,219,200, plus strand): 5'-GGTGCGACTACCGGAGGCGCAAGTTGCGCACGGGGTCCCGGGAGCGATACACTGCCTCCC[C>A]GGTGTCAGTGCTCCAGACGGTCTCCGCCATGACAGCTGCGACGCGCCGCGACTGCGCCGG-3'
Protein context (NP_060247.2, residues 1-21): MAETVWSTDT[Gly11Trp]EAVYRSRDPV